The following is an entry in ClinVar:

NM_004168.4(SDHA):c.1804G>A (p.Asp602Asn)

Gene: SDHA (succinate dehydrogenase complex flavoprotein subunit A; plus strand). Cytogenetic location: 5p15.33.
Variant type: single nucleotide variant.
Coding change: c.1804G>A on transcript NM_004168.4 (MANE Select); coding-DNA position 1804, G replaced by A.
Protein change: p.Asp602Asn; replaces aspartic acid 602 with asparagine.
Molecular consequence: missense variant.
Genome position (GRCh38, 1-based): chr5:254,402, G>A. VCF-style: chr5-254402-G-A. GRCh37 (hg19) VCF-style: chr5-254517-G-A.
Other names: c.1660G>A, p.Asp554Asn (NM_001294332.2); c.1561G>A, p.Asp521Asn (NM_001330758.2); c.1804G>A (NM_004168.2); short protein forms D521N, D554N, D602N.
Identifiers: ClinVar variation 1009189 (VCV001009189.16), dbSNP rs1737043619, ClinGen allele CA359001642.

ClinVar aggregate classification (germline): Uncertain significance. Review status: criteria provided, multiple submitters, no conflicts (2 of 4 stars). 2 submissions from 2 submitters: Uncertain significance (2). Last evaluated 2025-10-23.

Conditions:
Mitochondrial complex II deficiency, nuclear type 1. Also called: SUCCINATE CoQ REDUCTASE DEFICIENCY. Identifiers: Orphanet 3208, MedGen C5700310, MONDO:0100294, OMIM 252011.
Pheochromocytoma/paraganglioma syndrome 5. Also called: Paragangliomas 5; SDHA-Related Hereditary Paraganglioma-Pheochromocytoma Syndrome. Identifiers: Orphanet 29072, MedGen C3279992, MONDO:0013602, OMIM 614165.
Hereditary cancer-predisposing syndrome. Also called: Tumor predisposition; Hereditary neoplastic syndrome; Neoplastic Syndromes, Hereditary; Hereditary Cancer Syndrome. Identifiers: Orphanet 140162, MedGen C0027672, MeSH D009386, MONDO:0015356.

Allele frequency attached by ClinVar (database versions not stated): gnomAD exomes below 0.00001.
gnomAD v4.1: 1 of 1,603,098 alleles (0.000062%); highest among the groups gnomAD compares: South Asian, 0.0011%; no homozygotes.

Submissions (2):

Ambry Genetics
Classification: Uncertain significance for Hereditary cancer-predisposing syndrome. Last evaluated: 2025-10-23. Review status: criteria provided, single submitter. Criteria: Ambry Variant Classification Scheme 2023. Collection method: clinical testing. Allele origin: germline.
Comment: The p.D602N variant (also known as c.1804G>A), located in coding exon 14 of the SDHA gene, results from a G to A substitution at nucleotide position 1804. The aspartic acid at codon 602 is replaced by asparagine, an amino acid with highly similar properties. This amino acid position is conserved. In addition, the in silico prediction for this alteration is inconclusive. Since supporting evidence is limited at this time, the clinical significance of this alteration remains unclear.

Labcorp Genetics (formerly Invitae), Labcorp
Classification: Uncertain significance for Pheochromocytoma/paraganglioma syndrome 5; Mitochondrial complex II deficiency, nuclear type 1. Last evaluated: 2023-08-04. Review status: criteria provided, single submitter. Criteria: Invitae Variant Classification Sherloc (09022015). Collection method: clinical testing. Allele origin: germline.
Comment: Advanced modeling of protein sequence and biophysical properties (such as structural, functional, and spatial information, amino acid conservation, physicochemical variation, residue mobility, and thermodynamic stability) has been performed at Invitae for this missense variant, however the output from this modeling did not meet the statistical confidence thresholds required to predict the impact of this variant on SDHA protein function. This sequence change replaces aspartic acid, which is acidic and polar, with asparagine, which is neutral and polar, at codon 602 of the SDHA protein (p.Asp602Asn). This variant is not present in population databases (gnomAD no frequency). This variant has not been reported in the literature in individuals affected with SDHA-related conditions. ClinVar contains an entry for this variant (Variation ID: 1009189). In summary, the available evidence is currently insufficient to determine the role of this variant in disease. Therefore, it has been classified as a Variant of Uncertain Significance.